The following is an entry in ClinVar:

NM_001849.4(COL6A2):c.1458G>C (p.Gln486His)

Gene: COL6A2 (collagen type VI alpha 2 chain; plus strand). Cytogenetic location: 21q22.3.
Variant type: single nucleotide variant.
Coding change: c.1458G>C on transcript NM_001849.4 (MANE Select); coding-DNA position 1458, G replaced by C.
Protein change: p.Gln486His; replaces glutamine 486 with histidine.
Molecular consequence: missense variant.
Genome position (GRCh38, 1-based): chr21:46,121,123, G>C. VCF-style: chr21-46121123-G-C. GRCh37 (hg19) VCF-style: chr21-47541037-G-C.
Other names: c.1458G>C, p.Gln486His (NM_058174.3, NM_058175.3); short protein forms Q486H.
Identifiers: ClinVar variation 941624 (VCV000941624.8), dbSNP rs2078559618, ClinGen allele CA410531719.
Genomic context (GRCh38, chr21:46,121,123, plus strand): 5'-AGACCGAGGCTTGCCTGGACCCAGAGGCCCCCAGGGAGCTCTTGGGGAGCCCGGAAAGCA[G>C]GTCAGTGTCAGTGCAGGAGGCCGGTGCCCTCTGACCCCACGGGTGGGTCTCCCCTATCCA-3'
Protein context (NP_001840.3, residues 476-496): PQGALGEPGK[Gln486His]GSRGDPGDAG

ClinVar aggregate classification (germline): Uncertain significance (1 of 4 stars; one submission).

Conditions:
Bethlem myopathy 1A. Also called: Bethlem Muscular Dystrophy; MYOPATHY, BENIGN CONGENITAL, WITH CONTRACTURES; Bethlem myopathy 1. Identifiers: Orphanet 610, MedGen CN029274, MONDO:0024530, OMIM 158810.

Submission:

Labcorp Genetics (formerly Invitae), Labcorp
Classification: Uncertain significance for Bethlem myopathy 1A. Last evaluated: 2021-12-01. Review status: criteria provided, single submitter. Criteria: Invitae Variant Classification Sherloc (09022015). Collection method: clinical testing. Allele origin: germline.
Comment: Variants that disrupt the consensus splice site are a relatively common cause of aberrant splicing (PMID: 17576681, 9536098). Algorithms developed to predict the effect of sequence changes on RNA splicing suggest that this variant may disrupt the consensus splice site. This sequence change replaces glutamine, which is neutral and polar, with histidine, which is basic and polar, at codon 486 of the COL6A2 protein (p.Gln486His). This variant also falls at the last nucleotide of exon 17, which is part of the consensus splice site for this exon. This variant is not present in population databases (gnomAD no frequency). This variant has not been reported in the literature in individuals affected with COL6A2-related conditions. ClinVar contains an entry for this variant (Variation ID: 941624). Algorithms developed to predict the effect of missense changes on protein structure and function (SIFT, PolyPhen-2, Align-GVGD) all suggest that this variant is likely to be tolerated. In summary, the available evidence is currently insufficient to determine the role of this variant in disease. Therefore, it has been classified as a Variant of Uncertain Significance.

Literature cited by the submitters: PubMed 17576681; PubMed 9536098.